The following is an entry in ClinVar:

ClinVar aggregate classification (germline): Uncertain significance (1 of 4 stars; one submission).

Conditions:
Hereditary cancer-predisposing syndrome. Also called: Neoplastic Syndromes, Hereditary; Tumor predisposition; Hereditary neoplastic syndrome; Hereditary Cancer Syndrome. Identifiers: Orphanet 140162, MedGen C0027672, MeSH D009386, MONDO:0015356.

Submission:

Ambry Genetics
Classification: Uncertain significance for Hereditary cancer-predisposing syndrome. Last evaluated: 2026-07-06. Review status: criteria provided, single submitter. Criteria: Ambry Variant Classification Scheme 2023. Collection method: clinical testing. Allele origin: germline.
Comment: The p.R662L variant (also known as c.1985G>T), located in coding exon 15 of the SDHA gene, results from a G to T substitution at nucleotide position 1985. The arginine at codon 662 is replaced by leucine, an amino acid with dissimilar properties. This amino acid position is conserved. In addition, this alteration is predicted to be deleterious by in silico analysis. Based on the available evidence, the clinical significance of this variant remains unclear.

NM_004168.4(SDHA):c.1985G>T (p.Arg662Leu)

Gene: SDHA (succinate dehydrogenase complex flavoprotein subunit A; plus strand). Cytogenetic location: 5p15.33.
Variant type: single nucleotide variant.
Coding change: c.1985G>T on transcript NM_004168.4 (MANE Select); coding-DNA position 1985, G replaced by T.
Protein change: p.Arg662Leu; replaces arginine 662 with leucine.
Molecular consequence: missense variant.
Genome position (GRCh38, 1-based): chr5:256,410, G>T. VCF-style: chr5-256410-G-T. GRCh37 (hg19) VCF-style: chr5-256525-G-T.
Other names: c.1841G>T, p.Arg614Leu (NM_001294332.2); c.1742G>T, p.Arg581Leu (NM_001330758.2); short protein forms R581L, R662L, R614L.
Identifiers: ClinVar variation 5029190 (VCV005029190.1).
Genomic context (GRCh38, chr5:256,410, plus strand): 5'-GACCCGTGATCGACAAAACTTTGAACGAGGCTGACTGTGCCACCGTCCCGCCAGCCATTC[G>T]CTCCTACTGATGAGACAAGATGTGGTGATGACAGAATCAGCTTTTGTAATTATGTATAAT-3'
Protein context (NP_004159.2, residues 652-664): ADCATVPPAI[Arg662Leu]SY